The following is an entry in ClinVar:

ClinVar aggregate classification (germline): Uncertain significance (1 of 4 stars; one submission).

Conditions:
Infantile-onset X-linked spinal muscular atrophy. Also called: Spinal Muscular Atrophy, X-Linked Infantile; Spinal muscular atrophy, X-linked 2; AMC, DISTAL, X-LINKED; ARTHROGRYPOSIS, X-LINKED, TYPE I; SPINAL MUSCULAR ATROPHY, X-LINKED LETHAL INFANTILE. Identifiers: Orphanet 1145, MedGen C1844934, MONDO:0010532, OMIM 301830.

Submission:

Labcorp Genetics (formerly Invitae), Labcorp
Classification: Uncertain significance for Infantile-onset X-linked spinal muscular atrophy. Last evaluated: 2024-02-01. Review status: criteria provided, single submitter. Criteria: Invitae Variant Classification Sherloc (09022015). Collection method: clinical testing. Allele origin: germline.
Comment: This sequence change replaces glycine, which is neutral and non-polar, with valine, which is neutral and non-polar, at codon 344 of the UBA1 protein (p.Gly344Val). This variant is not present in population databases (gnomAD no frequency). This variant has not been reported in the literature in individuals affected with UBA1-related conditions. An algorithm developed to predict the effect of missense changes on protein structure and function (PolyPhen-2) suggests that this variant is likely to be tolerated. In summary, the available evidence is currently insufficient to determine the role of this variant in disease. Therefore, it has been classified as a Variant of Uncertain Significance.

NM_003334.4(UBA1):c.1031G>T (p.Gly344Val)

Gene: UBA1 (ubiquitin like modifier activating enzyme 1; plus strand). Cytogenetic location: Xp11.3.
Variant type: single nucleotide variant.
Coding change: c.1031G>T on transcript NM_003334.4 (MANE Select); coding-DNA position 1031, G replaced by T.
Protein change: p.Gly344Val; replaces glycine 344 with valine.
Molecular consequence: missense variant.
Genome position (GRCh38, 1-based): chrX:47,202,479, G>T. VCF-style: chrX-47202479-G-T. GRCh37 (hg19) VCF-style: chrX-47061878-G-T.
Other names: c.1031G>T, p.Gly344Val (NM_153280.3); short protein forms G344V.
Identifiers: ClinVar variation 3638176 (VCV003638176.2).